The following is an entry in ClinVar:

NM_005654.6(NR2F1):c.559G>C (p.Gly187Arg)

Gene: NR2F1 (nuclear receptor subfamily 2 group F member 1; plus strand). Cytogenetic location: 5q15.
Variant type: single nucleotide variant.
Coding change: c.559G>C on transcript NM_005654.6 (MANE Select); coding-DNA position 559, G replaced by C.
Protein change: p.Gly187Arg; replaces glycine 187 with arginine.
Molecular consequence: missense variant.
Genome position (GRCh38, 1-based): chr5:93,588,012, G>C. VCF-style: chr5-93588012-G-C. GRCh37 (hg19) VCF-style: chr5-92923718-G-C.
Other names: c.109G>C, p.Gly37Arg (NM_001410754.1); short protein forms G187R, G37R.
Identifiers: ClinVar variation 2635116 (VCV002635116.1), dbSNP rs1561524847, ClinGen allele CA360526572.

ClinVar aggregate classification (germline): Uncertain significance (1 of 4 stars; one submission).

Conditions:
NR2F1-related disorder. Also called: NR2F1-related condition.

Submission:

PreventionGenetics, part of Exact Sciences
Classification: Uncertain significance for NR2F1-related condition. Last evaluated: 2022-12-19. Review status: criteria provided, single submitter. Criteria: ACMG Guidelines, 2015. Collection method: clinical testing. Allele origin: germline.
Comment: The NR2F1 c.559G>C variant is predicted to result in the amino acid substitution p.Gly187Arg. To our knowledge, this variant has not been reported in the literature or in a large population database, indicating this variant is rare. At this time, the clinical significance of this variant is uncertain due to the absence of conclusive functional and genetic evidence.